The following is an entry in ClinVar:

ClinVar aggregate classification (germline): Uncertain significance (1 of 4 stars; one submission).

Submission:

Labcorp Genetics (formerly Invitae), Labcorp
Classification: Uncertain significance. Last evaluated: 2023-08-18. Review status: criteria provided, single submitter. Criteria: Invitae Variant Classification Sherloc (09022015). Collection method: clinical testing. Allele origin: germline.
Comment: This sequence change replaces histidine, which is basic and polar, with leucine, which is neutral and non-polar, at codon 465 of the PHIP protein (p.His465Leu). In summary, the available evidence is currently insufficient to determine the role of this variant in disease. Therefore, it has been classified as a Variant of Uncertain Significance. Advanced modeling of protein sequence and biophysical properties (such as structural, functional, and spatial information, amino acid conservation, physicochemical variation, residue mobility, and thermodynamic stability) performed at Invitae indicates that this missense variant is expected to disrupt PHIP protein function. This variant has not been reported in the literature in individuals affected with PHIP-related conditions. This variant is not present in population databases (gnomAD no frequency).

NM_017934.7(PHIP):c.1394A>T (p.His465Leu)

Gene: PHIP (PHIP subunit of CUL4-Ring ligase complex; minus strand). Cytogenetic location: 6q14.1.
Variant type: single nucleotide variant.
Coding change: c.1394A>T on transcript NM_017934.7 (MANE Select); coding-DNA position 1394, A replaced by T.
Protein change: p.His465Leu; replaces histidine 465 with leucine.
Molecular consequence: missense variant.
Genome position (GRCh38, 1-based): chr6:79,015,212, T>A on the plus strand (A>T on the coding strand, the complement: PHIP is on the minus strand). VCF-style: chr6-79015212-T-A. GRCh37 (hg19) VCF-style: chr6-79724929-T-A.
Other names: short protein forms H465L.
Identifiers: ClinVar variation 2753882 (VCV002753882.3), dbSNP rs1451043320, ClinGen allele CA364634400.
Genomic context (GRCh38, chr6:79,015,212, plus strand): 5'-GCAGAAAAGAGAACTCTAGGATCGAACGGGTGTGGTTCAAGAACAAATACCTCATCTTCA[T>A]GACCCTGAAATATTTTTGAAGTGTCAAAGAATCATAGATATTAAAAAAGAAAGAAAAACA-3'
Protein context (NP_060404.4, residues 455-475): TGQLIHVLMG[His465Leu]EDEVFVLEPH